The following is an entry in ClinVar:

NM_000094.4(COL7A1):c.2315-8G>T

Gene: COL7A1 (collagen type VII alpha 1 chain; minus strand). Cytogenetic location: 3p21.31.
Variant type: single nucleotide variant.
Coding change: c.2315-8G>T on transcript NM_000094.4 (MANE Select); 8 bases into the intron before coding-DNA position 2315, G replaced by T.
Molecular consequence: intron variant.
Genome position (GRCh38, 1-based): chr3:48,589,003, C>A on the plus strand (G>T on the coding strand, the complement: COL7A1 is on the minus strand). VCF-style: chr3-48589003-C-A. GRCh37 (hg19) VCF-style: chr3-48626436-C-A.
Other names: c.2315-8G>T (NM_000094.3).
Identifiers: ClinVar variation 1147744 (VCV001147744.9), dbSNP rs760773288, ClinGen allele CA2380919.
Genomic context (GRCh38, chr3:48,589,003, plus strand): 5'-GCTGGAAGCATTGAGGATCTGCAGCCTCGACACACGACCCACAGGCTCAGGGGCTGGGGA[C>A]AGAGGCAAGGTAAGGGGTCCTGGTAGAGAACAGAGAGGCAGTGCAGGAATGGTTGACGCA-3'

ClinVar aggregate classification (germline): Likely benign. Review status: criteria provided, single submitter (1 of 4 stars). 2 submissions from 2 submitters: Likely benign (1). 1 of the submissions does not count toward it. Last evaluated 2024-01-28.

Conditions:
COL7A1-related disorder. Also called: COL7A1- related disorders; COL7A1-related condition.

Allele frequency attached by ClinVar (database versions not stated): gnomAD exomes 0.00002; ExAC 0.00003.
gnomAD v4.1: 8 of 1,613,300 alleles (0.0005%); highest among the groups gnomAD compares: South Asian, 0.0088%; no homozygotes.

Submissions (2):

Labcorp Genetics (formerly Invitae), Labcorp
Classification: Likely benign. Last evaluated: 2024-01-28. Review status: criteria provided, single submitter. Criteria: Invitae Variant Classification Sherloc (09022015). Collection method: clinical testing. Allele origin: germline.

PreventionGenetics, part of Exact Sciences
Classification: Likely benign for COL7A1-related condition. Last evaluated: 2019-05-28. Review status: no assertion criteria provided. Collection method: clinical testing. Allele origin: germline. Not counted in ClinVar's aggregate classification.
Comment: This variant is classified as likely benign based on ACMG/AMP sequence variant interpretation guidelines (Richards et al. 2015 PMID: 25741868, with internal and published modifications).